The following is an entry in ClinVar:

NM_000552.5(VWF):c.6531C>T (p.Ile2177=)

Gene: VWF (von Willebrand factor; minus strand). Cytogenetic location: 12p13.31.
Variant type: single nucleotide variant.
Coding change: c.6531C>T on transcript NM_000552.5 (MANE Select); coding-DNA position 6531, C replaced by T.
Protein change: p.Ile2177=; no amino-acid change (isoleucine 2177 retained).
Molecular consequence: synonymous variant.
Genome position (GRCh38, 1-based): chr12:5,993,929, G>A on the plus strand (C>T on the coding strand, the complement: VWF is on the minus strand). VCF-style: chr12-5993929-G-A. GRCh37 (hg19) VCF-style: chr12-6103095-G-A.
Identifiers: ClinVar variation 4687761 (VCV004687761.1).

ClinVar aggregate classification (germline): Likely benign (1 of 4 stars; one submission).

Submission:

Women's Health and Genetics/Laboratory Corporation of America, LabCorp
Classification: Likely benign. Last evaluated: 2025-10-24. Review status: criteria provided, single submitter. Criteria: LabCorp Variant Classification Summary - May 2015. Collection method: clinical testing. Allele origin: germline.
Comment: Variant summary: VWF c.6531C>T alters a conserved nucleotide resulting in a synonymous change. Consensus agreement among computation tools predict no significant impact on normal splicing. However, these predictions have yet to be confirmed by functional studies. The variant allele was found at a frequency of 2.4e-05 in 251026 control chromosomes. The available data on variant occurrences in the general population are insufficient to allow any conclusion about variant significance. To our knowledge, no occurrence of c.6531C>T in individuals affected with VWF-related conditions and no experimental evidence demonstrating its impact on protein function have been reported. No submitters have cited clinical-significance assessments for this variant to ClinVar. Based on the evidence outlined above, the variant was classified as likely benign.